The following is an entry in ClinVar:

NM_183357.3(ADCY5):c.244C>A (p.Pro82Thr)

Gene: ADCY5 (adenylate cyclase 5; minus strand). Cytogenetic location: 3q21.1.
Variant type: single nucleotide variant.
Coding change: c.244C>A on transcript NM_183357.3 (MANE Select); coding-DNA position 244, C replaced by A.
Protein change: p.Pro82Thr; replaces proline 82 with threonine.
Molecular consequence: missense variant.
Genome position (GRCh38, 1-based): chr3:123,448,302, G>T on the plus strand (C>A on the coding strand, the complement: ADCY5 is on the minus strand). VCF-style: chr3-123448302-G-T. GRCh37 (hg19) VCF-style: chr3-123167149-G-T.
Other names: c.244C>A, p.Pro82Thr (NM_001378259.1); short protein forms P82T.
Identifiers: ClinVar variation 1904935 (VCV001904935.5), dbSNP rs1261754830, ClinGen allele CA354358621.
Genomic context (GRCh38, chr3:123,448,302, plus strand): 5'-CGGACTTGGAGCGGAAGCTGAAGCCGAAGCCCCCGGCCAGGGGGTCGTCACCGCTCAGCG[G>T]AGGATCGTCGTCGTCGTCGCTGCGCCAGCGGCTGGCCAGGCGCTGCTGCTGCTGCGGGGT-3'
Protein context (NP_899200.1, residues 72-92): RWRSDDDDDP[Pro82Thr]LSGDDPLAGG

ClinVar aggregate classification (germline): Uncertain significance (1 of 4 stars; one submission).

Submission:

Labcorp Genetics (formerly Invitae), Labcorp
Classification: Uncertain significance. Last evaluated: 2022-05-22. Review status: criteria provided, single submitter. Criteria: Invitae Variant Classification Sherloc (09022015). Collection method: clinical testing. Allele origin: germline.
Comment: This sequence change replaces proline, which is neutral and non-polar, with threonine, which is neutral and polar, at codon 82 of the ADCY5 protein (p.Pro82Thr). This variant is not present in population databases (gnomAD no frequency). This variant has not been reported in the literature in individuals affected with ADCY5-related conditions. Advanced modeling of protein sequence and biophysical properties (such as structural, functional, and spatial information, amino acid conservation, physicochemical variation, residue mobility, and thermodynamic stability) performed at Invitae indicates that this missense variant is not expected to disrupt ADCY5 protein function. In summary, the available evidence is currently insufficient to determine the role of this variant in disease. Therefore, it has been classified as a Variant of Uncertain Significance.